The following is an entry in ClinVar:

NM_015378.4(VPS13D):c.2578C>T (p.Arg860Cys)

Gene: VPS13D (vacuolar protein sorting 13 homolog D; plus strand). Cytogenetic location: 1p36.22.
Variant type: single nucleotide variant.
Coding change: c.2578C>T on transcript NM_015378.4 (MANE Select); coding-DNA position 2578, C replaced by T.
Protein change: p.Arg860Cys; replaces arginine 860 with cysteine.
Molecular consequence: missense variant.
Genome position (GRCh38, 1-based): chr1:12,276,166, C>T. VCF-style: chr1-12276166-C-T. GRCh37 (hg19) VCF-style: chr1-12336223-C-T.
Other names: c.2578C>T, p.Arg860Cys (NM_018156.4); short protein forms R860C.
Identifiers: ClinVar variation 2191148 (VCV002191148.4), dbSNP rs765664184, ClinGen allele CA601839.

ClinVar aggregate classification (germline): Uncertain significance (1 of 4 stars; one submission).

Allele frequency attached by ClinVar (database versions not stated): ExAC 0.00001; gnomAD exomes 0.00001; gnomAD 0.00002.
gnomAD v4.1: 17 of 1,613,994 alleles (0.0011%); highest among the groups gnomAD compares: South Asian, 0.0044%; no homozygotes.

Submission:

Labcorp Genetics (formerly Invitae), Labcorp
Classification: Uncertain significance. Last evaluated: 2024-05-15. Review status: criteria provided, single submitter. Criteria: Invitae Variant Classification Sherloc (09022015). Collection method: clinical testing. Allele origin: germline.
Comment: This sequence change replaces arginine, which is basic and polar, with cysteine, which is neutral and slightly polar, at codon 860 of the VPS13D protein (p.Arg860Cys). This variant is present in population databases (rs765664184, gnomAD 0.003%). This variant has not been reported in the literature in individuals affected with VPS13D-related conditions. ClinVar contains an entry for this variant (Variation ID: 2191148). Advanced modeling of protein sequence and biophysical properties (such as structural, functional, and spatial information, amino acid conservation, physicochemical variation, residue mobility, and thermodynamic stability) performed at Invitae indicates that this missense variant is not expected to disrupt VPS13D protein function with a negative predictive value of 80%. In summary, the available evidence is currently insufficient to determine the role of this variant in disease. Therefore, it has been classified as a Variant of Uncertain Significance.